The following is an entry in ClinVar:

NM_000096.4(CP):c.2972T>C (p.Ile991Thr)

Gene: CP (ceruloplasmin; minus strand). Cytogenetic location: 3q24.
Variant type: single nucleotide variant.
Coding change: c.2972T>C on transcript NM_000096.4 (MANE Select); coding-DNA position 2972, T replaced by C.
Protein change: p.Ile991Thr; replaces isoleucine 991 with threonine.
Molecular consequence: missense variant. On other transcripts: non-coding transcript variant (1).
Genome position (GRCh38, 1-based): chr3:149,177,886, A>G on the plus strand (T>C on the coding strand, the complement: CP is on the minus strand). VCF-style: chr3-149177886-A-G. GRCh37 (hg19) VCF-style: chr3-148895673-A-G.
Other names: short protein forms I991T.
Identifiers: ClinVar variation 3768699 (VCV003768699.2).

ClinVar aggregate classification (germline): Uncertain significance (1 of 4 stars; one submission).

gnomAD v4.1: 8 of 1,613,786 alleles (0.0005%); highest among the groups gnomAD compares: South Asian, 0.0022%; no homozygotes.

Submission:

Women's Health and Genetics/Laboratory Corporation of America, LabCorp
Classification: Uncertain significance. Last evaluated: 2025-02-07. Review status: criteria provided, single submitter. Criteria: LabCorp Variant Classification Summary - May 2015. Collection method: clinical testing. Allele origin: germline.
Comment: Variant summary: CP c.2972T>C (p.Ile991Thr) results in a non-conservative amino acid change located in the Multicopper oxidase domain, C-terminal (IPR011706) of the encoded protein sequence. Three of five in-silico tools predict a damaging effect of the variant on protein function. The variant allele was found at a frequency of 1.2e-05 in 251338 control chromosomes. c.2972T>C has been reported in the literature in homozygous and compound heterozygous individuals affected with Neurodegeneration With Brain Iron Accumulation (Pelucchi_2018, Vila Cuenca_2020). These data indicate that the variant may be associated with disease. To our knowledge, no experimental evidence demonstrating an impact on protein function has been reported. The following publications have been ascertained in the context of this evaluation (PMID: 29503155, 32235485). No submitters have cited clinical-significance assessments for this variant to ClinVar. Based on the evidence outlined above, the variant was classified as VUS-possibly pathogenic.

Literature cited by the submitters: PubMed 32235485; PubMed 29503155.